The following is an entry in ClinVar:

ClinVar aggregate classification (germline): Pathogenic/Likely pathogenic. Review status: criteria provided, multiple submitters, no conflicts (2 of 4 stars). 2 submissions from 2 submitters: Pathogenic (1); Likely pathogenic (1). Last evaluated 2024-01-12.

Conditions:
Bardet-Biedl syndrome (BBS). Identifiers: Orphanet 110, MedGen C0752166, MONDO:0015229.
Bardet-Biedl syndrome 4 (BBS4). Identifiers: Orphanet 110, MedGen C2936864, MONDO:0014433, OMIM 615982.

Submissions (2):

Labcorp Genetics (formerly Invitae), Labcorp
Classification: Pathogenic for Bardet-Biedl syndrome. Last evaluated: 2024-01-12. Review status: criteria provided, single submitter. Criteria: Invitae Variant Classification Sherloc (09022015). Collection method: clinical testing. Allele origin: germline.
Comment: This variant results in the deletion of part of exon 13 (c.1064_1106+97del) of the BBS4 gene. It is expected to disrupt RNA splicing. Variants that disrupt the donor or acceptor splice site typically lead to a loss of protein function (PMID: 16199547), and loss-of-function variants in BBS4 are known to be pathogenic (PMID: 11381270, 12016587, 20177705, 27894351). This variant is not present in population databases (gnomAD no frequency). This variant has not been reported in the literature in individuals affected with BBS4-related conditions. This variant disrupts a region of the BBS4 protein in which other variant(s) (p.Asp368Gly) have been determined to be pathogenic (PMID: 15666242, 32531858, 35886001). This suggests that this is a clinically significant region of the protein, and that variants that disrupt it are likely to be disease-causing. For these reasons, this variant has been classified as Pathogenic.

Juno Genomics, Hangzhou Juno Genomics, Inc
Classification: Likely pathogenic for Bardet-Biedl syndrome 4. Review status: criteria provided, single submitter. Criteria: ACMG Guidelines, 2015. Collection method: clinical testing. Allele origin: germline. Affected: yes.
Comment: Absent from controls (or at extremely low frequency if recessive) in Genome Aggregation Database, Exome Sequencing Project, 1000 Genomes Project, or Exome Aggregation Consortium.;Null variant in a gene where loss of function (LOF) is a known mechanism of disease.

Literature cited by the submitters: PubMed 16199547 (cited by Labcorp Genetics (formerly Invitae), Labcorp); PubMed 11381270 (cited by Labcorp Genetics (formerly Invitae), Labcorp); PubMed 12016587 (cited by Labcorp Genetics (formerly Invitae), Labcorp); PubMed 20177705 (cited by Labcorp Genetics (formerly Invitae), Labcorp); PubMed 27894351 (cited by Labcorp Genetics (formerly Invitae), Labcorp); PubMed 15666242 (cited by Labcorp Genetics (formerly Invitae), Labcorp); PubMed 32531858 (cited by Labcorp Genetics (formerly Invitae), Labcorp); PubMed 35886001 (cited by Labcorp Genetics (formerly Invitae), Labcorp).

NM_033028.5(BBS4):c.1064_1106+97del

Gene: BBS4 (Bardet-Biedl syndrome 4; plus strand). Cytogenetic location: 15q24.1.
Variant type: Deletion.
Coding change: c.1064_1106+97del on transcript NM_033028.5 (MANE Select); coding-DNA position 1064 through 97 bases into the intron after coding-DNA position 1106, 140 bases deleted.
Molecular consequence: splice donor variant.
Genome position (GRCh38, 1-based): chr15:72,735,140-72,735,279, 140 bases deleted. GRCh37 (hg19): chr15:73,027,481-73,027,620.
Other names: c.995_1037+97del (NM_001320665.2); c.548_590+97del (NM_001252678.2).
Identifiers: ClinVar variation 2759453 (VCV002759453.4), dbSNP rs2543008239, ClinGen allele CA2697549177.